The following is an entry in ClinVar:

ClinVar aggregate classification (germline): Uncertain significance (1 of 4 stars; one submission).

Conditions:
Pierson syndrome. Also called: MICROCORIA-CONGENITAL NEPHROTIC SYNDROME. Identifiers: Orphanet 2670, MedGen C1836876, MONDO:0012184, OMIM 609049.
LAMB2-related infantile-onset nephrotic syndrome. Also called: NEPHROTIC SYNDROME, TYPE 5, WITHOUT OCULAR ABNORMALITIES; NEPHROTIC SYNDROME, TYPE 5, WITH OCULAR ABNORMALITIES; Nephrotic Syndrome, type 5. Identifiers: Orphanet 306507, MedGen C3280113, MONDO:0013621, OMIM 614199.

Submission:

Labcorp Genetics (formerly Invitae), Labcorp
Classification: Uncertain significance for LAMB2-related infantile-onset nephrotic syndrome; Pierson syndrome. Last evaluated: 2024-07-17. Review status: criteria provided, single submitter. Criteria: Invitae Variant Classification Sherloc (09022015). Collection method: clinical testing. Allele origin: germline.
Comment: This sequence change replaces glutamine, which is neutral and polar, with histidine, which is basic and polar, at codon 784 of the LAMB2 protein (p.Gln784His). This variant is not present in population databases (gnomAD no frequency). This variant has not been reported in the literature in individuals affected with LAMB2-related conditions. ClinVar contains an entry for this variant (Variation ID: 2176026). An algorithm developed to predict the effect of missense changes on protein structure and function (PolyPhen-2) suggests that this variant is likely to be tolerated. In summary, the available evidence is currently insufficient to determine the role of this variant in disease. Therefore, it has been classified as a Variant of Uncertain Significance.

NM_002292.4(LAMB2):c.2352G>T (p.Gln784His)

Gene: LAMB2 (laminin subunit beta 2; minus strand). Cytogenetic location: 3p21.31.
Variant type: single nucleotide variant.
Coding change: c.2352G>T on transcript NM_002292.4 (MANE Select); coding-DNA position 2352, G replaced by T.
Protein change: p.Gln784His; replaces glutamine 784 with histidine.
Molecular consequence: missense variant.
Genome position (GRCh38, 1-based): chr3:49,125,883, C>A on the plus strand (G>T on the coding strand, the complement: LAMB2 is on the minus strand). VCF-style: chr3-49125883-C-A. GRCh37 (hg19) VCF-style: chr3-49163316-C-A.
Other names: short protein forms Q784H.
Identifiers: ClinVar variation 2176026 (VCV002176026.4), dbSNP rs2472543561, ClinGen allele CA352724948.